The following is an entry in ClinVar:

ClinVar aggregate classification (germline): Likely pathogenic (1 of 4 stars; one submission).

Submission:

CeGaT Center for Human Genetics Tuebingen
Classification: Likely pathogenic. Last evaluated: 2026-02-01. Review status: criteria provided, single submitter. Criteria: CeGaT Center For Human Genetics Tuebingen Variant Classification Criteria Version 2. Collection method: clinical testing. Allele origin: germline. Affected: yes. Observed: 1 variant allele.
Comment: NR2F1: PVS1:Strong, PM2

NM_005654.6(NR2F1):c.669del (p.Ala224fs)

Gene: NR2F1 (nuclear receptor subfamily 2 group F member 1; plus strand). Cytogenetic location: 5q15.
Variant type: Deletion.
Coding change: c.669del on transcript NM_005654.6 (MANE Select); coding-DNA position 669, one base deleted (C; older notation c.669delC).
Protein change: p.Ala224fs; shifts the reading frame from alanine 224.
Molecular consequence: frameshift variant.
Genome position (GRCh38, 1-based): chr5:93,588,122, C deleted; the last of 2 consecutive C bases (chr5:93,588,121-93,588,122); deleting either gives the same sequence. VCF-style (leftmost placement, unchanged base first): chr5-93588120-GC-G. GRCh37 (hg19) VCF-style: chr5-92923826-GC-G.
Other names: c.219del, p.Ala74fs (NM_001410754.1); short protein forms A224fs, A74fs.
Identifiers: ClinVar variation 4822764 (VCV004822764.4).